The following is an entry in ClinVar:

NM_000112.4(SLC26A2):c.1147_1150del (p.Val382_Ala383insTer)

Gene: SLC26A2 (solute carrier family 26 member 2; plus strand). Cytogenetic location: 5q32.
Variant type: Deletion.
Coding change: c.1147_1150del on transcript NM_000112.4 (MANE Select); coding-DNA positions 1147 to 1150, 4 bases deleted (GCTG; older notation c.1147_1150delGCTG).
Protein change: p.Val382_Ala383insTer.
Molecular consequence: nonsense.
Genome position (GRCh38, 1-based): chr5:149,980,740-149,980,743, GCTG deleted; deleting any 4 consecutive bases within chr5:149,980,738-149,980,743 gives the same sequence; the c. name uses the placement nearest the transcript's 3' end. VCF-style (leftmost placement, unchanged base first): chr5-149980737-GTGGC-G. GRCh37 (hg19) VCF-style: chr5-149360300-GTGGC-G.
Identifiers: ClinVar variation 1452842 (VCV001452842.6), dbSNP rs1294262903, ClinGen allele CA563955704.
Genomic context (GRCh38, chr5:149,980,737, plus strand): 5'-GGACATATTCCCACTGGGTTTATGCCACCCAAAGTACCAGAATGGAACCTAATTCCTAGT[GTGGC>G]TGTAGATGCAATAGCTATTTCCATCATTGGTTTTGCTATCACTGTATCACTTTCTGAGAT-3'

ClinVar aggregate classification (germline): Pathogenic (1 of 4 stars; one submission).

Conditions:
Diastrophic dysplasia (DTD). Also called: Diastrophic dwarfism. Identifiers: Orphanet 628, MedGen C0220726, MONDO:0009107, OMIM 222600.
Atelosteogenesis type II (AO2). Also called: NEONATAL OSSEOUS DYSPLASIA I; Neonatal osseous dysplasia 1; SLC26A2-Related Atelosteogenesis. Identifiers: Orphanet 56304, MedGen C1850554, MONDO:0009727, OMIM 256050.
Multiple epiphyseal dysplasia type 4 (EDM4). Also called: Multiple Epiphyseal Dysplasia, Recessive; MULTIPLE EPIPHYSEAL DYSPLASIA WITH BILAYERED PATELLAE; MULTIPLE EPIPHYSEAL DYSPLASIA WITH CLUBFOOT; MULTIPLE EPIPHYSEAL DYSPLASIA, AUTOSOMAL RECESSIVE; SLC26A2-Related Multiple Epiphyseal Dysplasia. Identifiers: Orphanet 93307, MedGen C1847593, MONDO:0009189, OMIM 226900.
Achondrogenesis, type IB (ACG1B). Also called: Achondrogenesis Type 1B. Identifiers: Orphanet 932, Orphanet 93298, MedGen C0265274, MONDO:0010966, OMIM 600972.

Submission:

Labcorp Genetics (formerly Invitae), Labcorp
Classification: Pathogenic for Atelosteogenesis type II; Multiple epiphyseal dysplasia type 4; Achondrogenesis, type IB; Diastrophic dysplasia. Last evaluated: 2021-12-03. Review status: criteria provided, single submitter. Criteria: Invitae Variant Classification Sherloc (09022015). Collection method: clinical testing. Allele origin: germline.
Comment: This sequence change creates a premature translational stop signal (p.Ala383*) in the SLC26A2 gene. While this is not anticipated to result in nonsense mediated decay, it is expected to disrupt the last 357 amino acid(s) of the SLC26A2 protein. This variant is present in population databases (no rsID available, gnomAD 0.01%). This variant has not been reported in the literature in individuals affected with SLC26A2-related conditions. This variant disrupts a region of the SLC26A2 protein in which other variant(s) (p.Ser448*) have been determined to be pathogenic (Invitae). This suggests that this is a clinically significant region of the protein, and that variants that disrupt it are likely to be disease-causing. For these reasons, this variant has been classified as Pathogenic.